The following is an entry in ClinVar:

ClinVar aggregate classification (germline): Conflicting classifications of pathogenicity. Review status: criteria provided, conflicting classifications (1 of 4 stars). 5 submissions from 5 submitters: Uncertain significance (3); Likely benign (2). Last evaluated 2025-11-04.

Conditions:
Inborn genetic diseases. Identifiers: MedGen C0950123, MeSH D030342.
Pitt-Hopkins-like syndrome 2 (PTHSL2). Identifiers: Orphanet 221150, Orphanet 600663, MedGen C3280479, MONDO:0013690, OMIM 614325.

Allele frequency attached by ClinVar (database versions not stated): gnomAD 0.00011; TOPMed 0.00012; gnomAD exomes 0.00016 and 0.00017; ExAC 0.00029.
gnomAD v4.1: 260 of 1,597,194 alleles (0.016%); highest among the groups gnomAD compares: Non-Finnish European, 0.021%; no homozygotes.

Submissions (5):

Labcorp Genetics (formerly Invitae), Labcorp
Classification: Uncertain significance for Pitt-Hopkins-like syndrome 2. Last evaluated: 2025-11-04. Review status: criteria provided, single submitter. Criteria: Invitae Variant Classification Sherloc (09022015). Collection method: clinical testing. Allele origin: germline.
Comment: This sequence change replaces lysine, which is basic and polar, with asparagine, which is neutral and polar, at codon 260 of the NRXN1 protein (p.Lys260Asn). This variant is present in population databases (rs201741449, gnomAD 0.03%). This variant has not been reported in the literature in individuals affected with NRXN1-related conditions. ClinVar contains an entry for this variant (Variation ID: 206261). An algorithm developed to predict the effect of missense changes on protein structure and function (PolyPhen-2) suggests that this variant is likely to be tolerated. In summary, the available evidence is currently insufficient to determine the role of this variant in disease. Therefore, it has been classified as a Variant of Uncertain Significance.

ARUP Laboratories, Molecular Genetics and Genomics, ARUP Laboratories
Classification: Uncertain significance. Last evaluated: 2025-03-20. Review status: criteria provided, single submitter. Criteria: ARUP Molecular Germline Variant Investigation Process 2024. Collection method: clinical testing. Allele origin: germline.

Ambry Genetics
Classification: Uncertain significance for Inborn genetic diseases. Last evaluated: 2021-06-11. Review status: criteria provided, single submitter. Criteria: Ambry Variant Classification Scheme 2023. Collection method: clinical testing. Allele origin: germline.

GeneDx
Classification: Likely benign. Last evaluated: 2020-11-12. Review status: criteria provided, single submitter. Criteria: GeneDx Variant Classification Process June 2021. Collection method: clinical testing. Allele origin: germline. Affected: yes.

Centre for Mendelian Genomics, University Medical Centre Ljubljana
Classification: Likely benign for Pitt-Hopkins-like syndrome 2. Last evaluated: 2018-10-10. Review status: criteria provided, single submitter. Criteria: ACMG Guidelines, 2015. Collection method: clinical testing. Allele origin: unknown. Affected: yes.
Comment: This variant was classified as: Likely benign. The following ACMG criteria were applied in classifying this variant: BS1,BS2.

NM_001330078.2(NRXN1):c.772+1040A>T

Gene: NRXN1 (neurexin 1; minus strand). Cytogenetic location: 2p16.3.
Variant type: single nucleotide variant.
Coding change: c.772+1040A>T on transcript NM_001330078.2 (MANE Select); 1040 bases into the intron after coding-DNA position 772, A replaced by T.
Molecular consequence: intron variant. On other transcripts: missense variant (1).
Genome position (GRCh38, 1-based): chr2:51,026,462, T>A on the plus strand (A>T on the coding strand, the complement: NRXN1 is on the minus strand). VCF-style: chr2-51026462-T-A. GRCh37 (hg19) VCF-style: chr2-51253600-T-A.
Other names: p.K260N:AAA>AAT; c.780A>T, p.Lys260Asn (NM_001135659.3); c.772+1040A>T (NM_001330096.2, NM_001330087.2, NM_001330083.2 and 14 more transcripts); short protein forms K260N.
Identifiers: ClinVar variation 206261 (VCV000206261.19), dbSNP rs201741449, ClinGen allele CA316169.